The following is an entry in ClinVar:

NM_000179.3(MSH6):c.-11C>A

Gene: MSH6 (mutS homolog 6; plus strand). Cytogenetic location: 2p16.3.
Variant type: single nucleotide variant.
Coding change: c.-11C>A on transcript NM_000179.3 (MANE Select); 11 bases upstream of the start codon, C replaced by A.
Molecular consequence: 5 prime UTR variant.
Genome position (GRCh38, 1-based): chr2:47,783,223, C>A. VCF-style: chr2-47783223-C-A. GRCh37 (hg19) VCF-style: chr2-48010362-C-A.
Other names: c.-11C>A (NM_001281492.2); c.-747C>A (NM_001281493.2).
Identifiers: ClinVar variation 1050452 (VCV001050452.3), dbSNP rs1225209597, ClinGen allele CA532350617.

ClinVar aggregate classification (germline): Likely benign. Review status: criteria provided, single submitter (1 of 4 stars). 2 submissions from 2 submitters: Likely benign (1). 1 of the submissions does not count toward it. Last evaluated 2023-04-28.

Conditions:
Lynch syndrome. Identifiers: Orphanet 144, MedGen C4552100, MONDO:0005835. Disease mechanism: loss of function.
Malignant tumor of breast. Also called: Malignant breast neoplasm; Cancer breast. Identifiers: MedGen C0006142, MONDO:0007254. Disease mechanism: loss of function.

Allele frequency attached by ClinVar (database versions not stated): TOPMed below 0.00001; gnomAD 0.00001.
gnomAD v4.1: 5 of 1,611,084 alleles (0.00031%); highest among the groups gnomAD compares: Non-Finnish European, 0.00034%; no homozygotes.

Submissions (2):

All of Us Research Program, National Institutes of Health
Classification: Likely benign for Lynch syndrome. Last evaluated: 2023-04-28. Review status: criteria provided, single submitter. Criteria: ACMG Guidelines, 2015. Collection method: clinical testing. Allele origin: germline. Inheritance: Autosomal dominant inheritance. Observed: 3 variant alleles, 3 heterozygotes.
Comment: This study involves interpretation of variants in research participants for the purpose of population health screening. Participant phenotype was not available at the time of variant classification. Additional details can be found in publication PMID: 35346344, PMCID: PMC8962531

Department of Pathology and Laboratory Medicine, Sinai Health System
Classification: Uncertain significance for Malignant tumor of breast. Review status: no assertion criteria provided. Collection method: clinical testing. Allele origin: unknown. Affected: yes. Study: The Canadian Open Genetics Repository (COGR). Not counted in ClinVar's aggregate classification.
Comment: The MSH6 c.-11C>A variant was not identified in the literature. The variant was identified in dbSNP (rs1225209597) but was not identified in the ClinVar and UMD-LSDB databases. The variant was not identified in the following control databases: the Exome Aggregation Consortium (August 8th 2016), or the Genome Aggregation Database (Feb 27, 2017). The variant occurs outside of the splicing consensus sequence and 4 of 4 in silico or computational prediction software programs (SpliceSiteFinder, MaxEntScan, NNSPLICE, GeneSplicer) predict a greater than 10% difference in splicing. However, this information is not predictive enough to assume pathogenicity. In summary, based on the above information the clinical significance of this variant cannot be determined with certainty at this time. This variant is classified as a variant of uncertain significance.